The following is an entry in ClinVar:

NM_014588.6(VSX1):c.391C>A (p.Arg131Ser)

Gene: VSX1 (visual system homeobox 1; minus strand). Cytogenetic location: 20p11.21.
Variant type: single nucleotide variant.
Coding change: c.391C>A on transcript NM_014588.6 (MANE Select); coding-DNA position 391, C replaced by A.
Protein change: p.Arg131Ser; replaces arginine 131 with serine.
Molecular consequence: missense variant. On other transcripts: non-coding transcript variant (2).
Genome position (GRCh38, 1-based): chr20:25,081,706, G>T on the plus strand (C>A on the coding strand, the complement: VSX1 is on the minus strand). VCF-style: chr20-25081706-G-T. GRCh37 (hg19) VCF-style: chr20-25062342-G-T.
Other names: c.391C>A, p.Arg131Ser (NM_001256271.2, NM_001256272.2, NM_199425.3); short protein forms R131S.
Identifiers: ClinVar variation 337965 (VCV000337965.14), dbSNP rs6050307, ClinGen allele CA9793672.

ClinVar aggregate classification (germline): Benign. Review status: criteria provided, multiple submitters, no conflicts (2 of 4 stars). 4 submissions from 4 submitters: Benign (4). Last evaluated 2026-01-17.

Conditions:
Posterior polymorphous corneal dystrophy. Also called: CORNEAL DYSTROPHY, HEREDITARY POLYMORPHOUS POSTERIOR; Polymorphous corneal dystrophy. Identifiers: Orphanet 98973, MedGen C0339284, MONDO:0020364, HP:0007915.

Allele frequency attached by ClinVar (database versions not stated): ExAC 0.01410; ESP Exome Variant Server 0.03301; gnomAD 0.03467; TOPMed 0.04094; 1000 Genomes Project 0.04113; 1000 Genomes Project 30x 0.04357.
gnomAD v4.1: 10,441 of 1,505,368 alleles (0.69%); highest among the groups gnomAD compares: African/African-American, 13%; 562 homozygotes.

Submissions (4):

Labcorp Genetics (formerly Invitae), Labcorp
Classification: Benign. Last evaluated: 2026-01-17. Review status: criteria provided, single submitter. Criteria: Invitae Variant Classification Sherloc (09022015). Collection method: clinical testing. Allele origin: germline.

GeneDx
Classification: Benign. Last evaluated: 2019-01-19. Review status: criteria provided, single submitter. Criteria: GeneDx Variant Classification Process June 2021. Collection method: clinical testing. Allele origin: germline. Affected: yes.
Comment: This variant is associated with the following publications: (PMID: 30090183, 15051220)

Illumina Laboratory Services, Illumina
Classification: Benign for Polymorphous corneal dystrophy. Last evaluated: 2017-04-27. Review status: criteria provided, single submitter. Criteria: ICSL Variant Classification Criteria 13 December 2019. Collection method: clinical testing. Allele origin: germline.
Comment: This variant was observed as part of a predisposition screen in an ostensibly healthy population. A literature search was performed for the gene, cDNA change, and amino acid change (where applicable). No publications were found based on this search. Allele frequency data from public databases was too high to be consistent with this variant causing disease. Therefore, this variant is classified as benign.

Breakthrough Genomics
Classification: Benign. Review status: criteria provided, single submitter. Criteria: ACMG Guidelines, 2015. Collection method: not provided. Allele origin: germline. Inheritance: Autosomal dominant inheritance. Affected: yes.